The following is an entry in ClinVar:

NM_000256.3(MYBPC3):c.237C>T (p.Tyr79=)

Gene: MYBPC3 (myosin binding protein C3; minus strand). Cytogenetic location: 11p11.2.
Variant type: single nucleotide variant.
Coding change: c.237C>T on transcript NM_000256.3 (MANE Select); coding-DNA position 237, C replaced by T.
Protein change: p.Tyr79=; no amino-acid change (tyrosine 79 retained).
Molecular consequence: synonymous variant.
Genome position (GRCh38, 1-based): chr11:47,351,294, G>A on the plus strand (C>T on the coding strand, the complement: MYBPC3 is on the minus strand). VCF-style: chr11-47351294-G-A. GRCh37 (hg19) VCF-style: chr11-47372845-G-A.
Other names: c.237C>T, p.Tyr79= (LRG_386t1).
Identifiers: ClinVar variation 454313 (VCV000454313.22), dbSNP rs730880698, ClinGen allele CA049481.

ClinVar aggregate classification (germline): Conflicting classifications of pathogenicity. Review status: criteria provided, conflicting classifications (1 of 4 stars). 8 submissions from 7 submitters: Uncertain significance (2); Likely benign (5). 1 of the submissions does not count toward it. Last evaluated 2025-09-27.

Conditions:
MYBPC3-related disorder. Also called: MYBPC3-related condition; MYBPC3-related disease; MYBPC3-related disorders.
Cardiovascular phenotype. Identifiers: MedGen CN230736.
Left ventricular noncompaction 10 (LVNC10). Identifiers: Orphanet 154, Orphanet 54260, MedGen C3715165, MONDO:0014163, OMIM 615396.
Cardiomyopathy (CMYO). Also called: Cardiomyopathies. Identifiers: Orphanet 167848, MedGen C0878544, MONDO:0004994, HP:0001638. Inheritance: Various modes of inheritance.
Hypertrophic cardiomyopathy 4. Also called: Familial hypertrophic cardiomyopathy 4. Identifiers: MedGen C1861862, MONDO:0007268, OMIM 115197.
Hypertrophic cardiomyopathy. Also called: HYPERTROPHIC MYOCARDIOPATHY. Identifiers: Orphanet 217569, MedGen C0007194, MeSH D002312, MONDO:0005045, HP:0001639.

Allele frequency attached by ClinVar (database versions not stated): gnomAD exomes 0.00001 and 0.00005; gnomAD 0.00005 and 0.00006; ExAC 0.00007; TOPMed 0.00007.
gnomAD v4.1: 26 of 1,570,630 alleles (0.0017%); highest among the groups gnomAD compares: Admixed American, 0.017%; no homozygotes.

Submissions (8):

Labcorp Genetics (formerly Invitae), Labcorp
Classification: Likely benign for Hypertrophic cardiomyopathy. Last evaluated: 2025-09-27. Review status: criteria provided, single submitter. Criteria: Invitae Variant Classification Sherloc (09022015). Collection method: clinical testing. Allele origin: germline.

Blueprint Genetics
Classification: Likely benign. Last evaluated: 2024-09-23. Review status: criteria provided, single submitter. Criteria: ACMG Guidelines, 2015. Collection method: clinical testing. Allele origin: germline.

All of Us Research Program, National Institutes of Health
Classification: Likely benign for Hypertrophic cardiomyopathy. Last evaluated: 2023-12-01. Review status: criteria provided, single submitter. Criteria: ACMG Guidelines, 2015. Collection method: clinical testing. Allele origin: germline. Inheritance: Autosomal dominant inheritance. Observed: 5 variant alleles, 5 heterozygotes.
Comment: This study involves interpretation of variants in research participants for the purpose of population health screening. Participant phenotype was not available at the time of variant classification. Additional details can be found in publication PMID: 35346344, PMCID: PMC8962531

Color Diagnostics, LLC DBA Color Health
Classification: Likely benign for Cardiomyopathy. Last evaluated: 2018-07-29. Review status: criteria provided, single submitter. Criteria: ACMG Guidelines, 2015. Collection method: clinical testing. Allele origin: germline.

Illumina Laboratory Services, Illumina
Classification: Uncertain significance for Left ventricular noncompaction 10. Last evaluated: 2018-01-12. Review status: criteria provided, single submitter. Criteria: ICSL Variant Classification Criteria 13 December 2019. Collection method: clinical testing. Allele origin: germline.

Illumina Laboratory Services, Illumina
Classification: Uncertain significance for Hypertrophic cardiomyopathy 4. Last evaluated: 2018-01-12. Review status: criteria provided, single submitter. Criteria: ICSL Variant Classification Criteria 13 December 2019. Collection method: clinical testing. Allele origin: germline.

Ambry Genetics
Classification: Likely benign for Cardiovascular phenotype. Last evaluated: 2016-11-16. Review status: criteria provided, single submitter. Criteria: Ambry Variant Classification Scheme 2023. Collection method: clinical testing. Allele origin: germline.

PreventionGenetics, part of Exact Sciences
Classification: Likely benign for MYBPC3-related condition. Last evaluated: 2020-11-02. Review status: no assertion criteria provided. Collection method: clinical testing. Allele origin: germline. Not counted in ClinVar's aggregate classification.
Comment: This variant is classified as likely benign based on ACMG/AMP sequence variant interpretation guidelines (Richards et al. 2015 PMID: 25741868, with internal and published modifications).